The following is an entry in ClinVar:

ClinVar aggregate classification (germline): Likely benign (1 of 4 stars; one submission).

Conditions:
FTL-related disorder. Also called: FTL-related condition.

gnomAD v4.1: 2 of 708,012 alleles (0.00028%); highest among the groups gnomAD compares: Non-Finnish European, 0.00051%; no homozygotes.

Submission:

PreventionGenetics, part of Exact Sciences
Classification: Likely benign for FTL-related condition. Last evaluated: 2025-08-05. Review status: criteria provided, single submitter. Criteria: ACMG Guidelines, 2015. Collection method: clinical testing. Allele origin: germline.
Comment: This variant is classified as likely benign based on ACMG/AMP sequence variant interpretation guidelines (Richards et al. 2015 PMID: 25741868, with internal and published modifications).

NM_000146.4(FTL):c.-140C>T

Gene: FTL (ferritin light chain; plus strand). Cytogenetic location: 19q13.33.
Variant type: single nucleotide variant.
Coding change: c.-140C>T on transcript NM_000146.4 (MANE Select); 140 bases upstream of the start codon, C replaced by T.
Molecular consequence: 5 prime UTR variant.
Genome position (GRCh38, 1-based): chr19:48,965,368, C>T. VCF-style: chr19-48965368-C-T. GRCh37 (hg19) VCF-style: chr19-49468625-C-T.
Identifiers: ClinVar variation 4986081 (VCV004986081.1).